The following is an entry in ClinVar:

ClinVar aggregate classification (germline): Uncertain significance (1 of 4 stars; one submission).

Submission:

GeneDx
Classification: Uncertain significance. Last evaluated: 2023-05-30. Review status: criteria provided, single submitter. Criteria: GeneDx Variant Classification Process June 2021. Collection method: clinical testing. Allele origin: germline. Affected: yes.
Comment: Not observed at significant frequency in large population cohorts (gnomAD); In silico analysis supports that this missense variant has a deleterious effect on protein structure/function; Has not been previously published as pathogenic or benign to our knowledge

NM_005219.5(DIAPH1):c.3613G>A (p.Ala1205Thr)

Gene: DIAPH1 (diaphanous related formin 1; minus strand). Cytogenetic location: 5q31.3.
Variant type: single nucleotide variant.
Coding change: c.3613G>A on transcript NM_005219.5 (MANE Select); coding-DNA position 3613, G replaced by A.
Protein change: p.Ala1205Thr; replaces alanine 1205 with threonine.
Molecular consequence: missense variant.
Genome position (GRCh38, 1-based): chr5:141,524,191, C>T on the plus strand (G>A on the coding strand, the complement: DIAPH1 is on the minus strand). VCF-style: chr5-141524191-C-T. GRCh37 (hg19) VCF-style: chr5-140903758-C-T.
Other names: c.3586G>A, p.Ala1196Thr (NM_001079812.3); c.3613G>A, p.Ala1205Thr (NM_001314007.2); short protein forms A1196T, A1205T.
Identifiers: ClinVar variation 3359292 (VCV003359292.1).